The following is an entry in ClinVar:

ClinVar aggregate classification (germline): Uncertain significance. Review status: criteria provided, single submitter (1 of 4 stars). 2 submissions from 2 submitters: Uncertain significance (1). 1 of the submissions does not count toward it. Last evaluated 2018-11-30.

Conditions:
Cystic fibrosis (CF). Also called: MUCOVISCIDOSIS. Identifiers: Orphanet 586, MedGen C0010674, MONDO:0009061, OMIM 219700. Disease mechanism: loss of function.
CFTR-related disorder (CFTR-RD). Also called: CFTR-related condition; CFTR-related disorders. Identifiers: MedGen C5924204, MONDO:7770004.

Submissions (2):

Labcorp Genetics (formerly Invitae), Labcorp
Classification: Uncertain significance for Cystic fibrosis. Last evaluated: 2018-11-30. Review status: criteria provided, single submitter. Criteria: Invitae Variant Classification Sherloc (09022015). Collection method: clinical testing. Allele origin: germline.
Comment: In summary, the available evidence is currently insufficient to determine the role of this variant in disease. Therefore, it has been classified as a Variant of Uncertain Significance. This variant has been reported to have conflicting or insufficient data to determine the effect on CFTR protein function (PMID: 28242630). This variant has not been reported in the literature in individuals with CFTR-related conditions. This variant is not present in population databases (ExAC no frequency). This sequence change replaces phenylalanine with cysteine at codon 311 of the CFTR protein (p.Phe311Cys). The phenylalanine residue is highly conserved and there is a large physicochemical difference between phenylalanine and cysteine.

Natera, Inc.
Classification: Uncertain significance for CFTR-related disorders. Last evaluated: 2021-07-07. Review status: no assertion criteria provided. Collection method: clinical testing. Allele origin: germline. Not counted in ClinVar's aggregate classification.

Literature cited by the submitters: PubMed 28242630 (cited by Labcorp Genetics (formerly Invitae), Labcorp).

NM_000492.4(CFTR):c.932T>G (p.Phe311Cys)

Gene: CFTR (CF transmembrane conductance regulator; plus strand). Cytogenetic location: 7q31.2.
Variant type: single nucleotide variant.
Coding change: c.932T>G on transcript NM_000492.4 (MANE Select); coding-DNA position 932, T replaced by G.
Protein change: p.Phe311Cys; replaces phenylalanine 311 with cysteine.
Molecular consequence: missense variant.
Genome position (GRCh38, 1-based): chr7:117,540,162, T>G. VCF-style: chr7-117540162-T-G. GRCh37 (hg19) VCF-style: chr7-117180216-T-G.
Other names: short protein forms F311C.
Identifiers: ClinVar variation 660266 (VCV000660266.9), dbSNP rs1584789230, ClinGen allele CA368978321.